The following is an entry in ClinVar:

ClinVar aggregate classification (germline): Uncertain significance (1 of 4 stars; one submission).

Allele frequency attached by ClinVar (database versions not stated): gnomAD exomes below 0.00001.
gnomAD v4.1: 1 of 1,614,016 alleles (0.000062%); highest among the groups gnomAD compares: Admixed American, 0.0017%; no homozygotes.

Submission:

ARUP Laboratories, Molecular Genetics and Genomics, ARUP Laboratories
Classification: Uncertain significance. Last evaluated: 2023-08-08. Review status: criteria provided, single submitter. Criteria: ARUP Molecular Germline Variant Investigation Process 2024. Collection method: clinical testing. Allele origin: germline.
Comment: The TTR c.85A>T; p.Lys29Ter variant (rs1323375123), to our knowledge, is not reported in the medical literature or gene specific databases. This variant is only found on one allele in the Genome Aggregation Database, indicating it is not a common polymorphism. This variant induces an early termination codon and is predicted to result in a truncated protein or mRNA subject to nonsense-mediated decay. However, current evidence is not sufficient to determine whether loss-of-function variants in TTR cause disease. To-date all reported pathogenic variants associated with TTR-amyloidosis are gain-of-function. Therefore, the clinical significance of the p.Lys29Ter variant is uncertain at this time.

NM_000371.4(TTR):c.85A>T (p.Lys29Ter)

Gene: TTR (transthyretin; plus strand). Cytogenetic location: 18q12.1.
Variant type: single nucleotide variant.
Coding change: c.85A>T on transcript NM_000371.4 (MANE Select); coding-DNA position 85, A replaced by T.
Protein change: p.Lys29Ter; replaces lysine 29 with a stop codon.
Molecular consequence: nonsense.
Genome position (GRCh38, 1-based): chr18:31,592,911, A>T. VCF-style: chr18-31592911-A-T. GRCh37 (hg19) VCF-style: chr18-29172874-A-T.
Other names: short protein forms K29*.
Identifiers: ClinVar variation 2921203 (VCV002921203.1), dbSNP rs1323375123, ClinGen allele CA402156487.